The following is an entry in ClinVar:

ClinVar aggregate classification (germline): Uncertain significance (1 of 4 stars; one submission).

Conditions:
Ehlers-Danlos syndrome, type 4 (EDSVASC). Also called: Ehlers-Danlos Syndrome Type IV; Ehlers-Danlos syndrome vascular type; Ehlers Danlos syndrome, ecchymotic type; Ehlers Danlos syndrome, arterial type; Ehlers Danlos syndrome, Sack-Barabas type. Identifiers: Orphanet 286, MedGen C0268338, MONDO:0017314, OMIM 130050.

Allele frequency attached by ClinVar (database versions not stated): TOPMed below 0.00001; gnomAD 0.00001.
gnomAD v4.1: 1 of 1,613,804 alleles (0.000062%); highest among the groups gnomAD compares: Non-Finnish European, 0.000085%; no homozygotes.

Submission:

Labcorp Genetics (formerly Invitae), Labcorp
Classification: Uncertain significance for Ehlers-Danlos syndrome, type 4. Last evaluated: 2023-11-10. Review status: criteria provided, single submitter. Criteria: Invitae Variant Classification Sherloc (09022015). Collection method: clinical testing. Allele origin: germline.
Comment: This sequence change replaces threonine, which is neutral and polar, with alanine, which is neutral and non-polar, at codon 614 of the COL3A1 protein (p.Thr614Ala). This variant is not present in population databases (gnomAD no frequency). This variant has not been reported in the literature in individuals affected with COL3A1-related conditions. Advanced modeling of protein sequence and biophysical properties (such as structural, functional, and spatial information, amino acid conservation, physicochemical variation, residue mobility, and thermodynamic stability) performed at Invitae indicates that this missense variant is not expected to disrupt COL3A1 protein function with a negative predictive value of 95%. In summary, the available evidence is currently insufficient to determine the role of this variant in disease. Therefore, it has been classified as a Variant of Uncertain Significance.

NM_000090.4(COL3A1):c.1840A>G (p.Thr614Ala)

Gene: COL3A1 (collagen type III alpha 1 chain; plus strand). Cytogenetic location: 2q32.2.
Variant type: single nucleotide variant.
Coding change: c.1840A>G on transcript NM_000090.4 (MANE Select); coding-DNA position 1840, A replaced by G.
Protein change: p.Thr614Ala; replaces threonine 614 with alanine.
Molecular consequence: missense variant.
Genome position (GRCh38, 1-based): chr2:188,997,360, A>G. VCF-style: chr2-188997360-A-G. GRCh37 (hg19) VCF-style: chr2-189862086-A-G.
Other names: short protein forms T614A.
Identifiers: ClinVar variation 3014341 (VCV003014341.3), dbSNP rs1312003103, ClinGen allele CA349853443.